The following is an entry in ClinVar:

NM_003172.4(SURF1):c.833+1G>T

Gene: SURF1 (SURF1 cytochrome c oxidase assembly factor; minus strand). Cytogenetic location: 9q34.2.
Variant type: single nucleotide variant.
Coding change: c.833+1G>T on transcript NM_003172.4 (MANE Select); the canonical splice donor site of the intron after coding-DNA position 833, G replaced by T.
Molecular consequence: splice donor variant.
Genome position (GRCh38, 1-based): chr9:133,352,060, C>A on the plus strand (G>T on the coding strand, the complement: SURF1 is on the minus strand). VCF-style: chr9-133352060-C-A. GRCh37 (hg19) VCF-style: chr9-136218915-C-A.
Other names: c.506+1G>T (NM_001280787.1).
Identifiers: ClinVar variation 4737603 (VCV004737603.1).
Genomic context (GRCh38, chr9:133,352,060, plus strand): 5'-GCCAGCATTAGCAGGCTGCTAGGCTGAAGGGGAGGAAGCCAGAGGGCCGCTGGGGACTCA[C>A]CAGGTCACGATGTACTGCAGATGCTCGTTCCTCAGAGTAACTCTGGTTTGCCCTCCAATG-3'

ClinVar aggregate classification (germline): Pathogenic (1 of 4 stars; one submission).

Conditions:
Leigh syndrome (NULS). Also called: Leigh's necrotizing encephalopathy; Leigh's disease; Leigh Syndrome (mtDNA deletion); Leigh's syndrome; LEIGH SYNDROME, NUCLEAR; Leigh Disease. Identifiers: Orphanet 506, MedGen C2931891, MONDO:0009723, OMIM 256000.

gnomAD v4.1: 5 of 1,611,916 alleles (0.00031%); highest among the groups gnomAD compares: South Asian, 0.0011%; no homozygotes.

Submission:

Labcorp Genetics (formerly Invitae), Labcorp
Classification: Pathogenic for Leigh syndrome. Last evaluated: 2025-11-16. Review status: criteria provided, single submitter. Criteria: Invitae Variant Classification Sherloc (09022015). Collection method: clinical testing. Allele origin: germline.
Comment: This sequence change affects a donor splice site in intron 8 of the SURF1 gene. While this variant is not anticipated to result in nonsense mediated decay, it likely alters RNA splicing and results in a disrupted protein product. This variant is present in population databases (rs782609482, gnomAD 0.0009%). Disruption of this splice site has been observed in individual(s) with SURF1-related conditions (PMID: 29933018). Variants that disrupt the consensus splice site are a relatively common cause of aberrant splicing (PMID: 17576681, 9536098). Algorithms developed to predict the effect of sequence changes on RNA splicing suggest that this variant may disrupt the consensus splice site. This variant disrupts a region of the SURF1 protein in which other variant(s) (p.Lys291*) have been determined to be pathogenic (PMID: 9837813, 25111564, 27756633). This suggests that this is a clinically significant region of the protein, and that variants that disrupt it are likely to be disease-causing. For these reasons, this variant has been classified as Pathogenic.

Literature cited by the submitters: PubMed 29933018; PubMed 17576681; PubMed 9536098; PubMed 9837813; PubMed 25111564; PubMed 27756633.